The following is an entry in ClinVar:

NM_001276345.2(TNNT2):c.290T>A (p.Phe97Tyr)

Gene: TNNT2 (troponin T2, cardiac type; minus strand). Cytogenetic location: 1q32.1.
Variant type: single nucleotide variant.
Coding change: c.290T>A on transcript NM_001276345.2 (MANE Select); coding-DNA position 290, T replaced by A.
Protein change: p.Phe97Tyr; replaces phenylalanine 97 with tyrosine.
Molecular consequence: missense variant.
Genome position (GRCh38, 1-based): chr1:201,365,614, A>T on the plus strand (T>A on the coding strand, the complement: TNNT2 is on the minus strand). VCF-style: chr1-201365614-A-T. GRCh37 (hg19) VCF-style: chr1-201334742-A-T.
Other names: c.245T>A, p.Phe82Tyr (NM_001001432.3, NM_001406728.1); c.287T>A, p.Phe96Tyr (NM_001276346.2); c.290T>A, p.Phe97Tyr (NM_000364.4, NM_001406723.1); c.260T>A, p.Phe87Tyr (NM_001001430.3, NM_001001431.3, NM_001276347.2 and 3 more transcripts); c.257T>A, p.Phe86Tyr (NM_001406725.1); short protein forms F86Y, F96Y, F87Y, F82Y, F97Y.
Identifiers: ClinVar variation 2202921 (VCV002202921.4), dbSNP rs2527024893, ClinGen allele CA344206644.

ClinVar aggregate classification (germline): Likely pathogenic (1 of 4 stars; one submission).

Conditions:
Hypertrophic cardiomyopathy 2. Also called: TNNT2-Related Familial Hypertrophic Cardiomyopathy. Identifiers: MedGen C1861864, MONDO:0007266, OMIM 115195.
Dilated cardiomyopathy 1D. Identifiers: Orphanet 154, Orphanet 54260, MedGen C1832243, MONDO:0011095, OMIM 601494.
Cardiomyopathy, familial restrictive, 3. Identifiers: Orphanet 75249, MedGen C2676271, MONDO:0012900, OMIM 612422.

Submission:

Labcorp Genetics (formerly Invitae), Labcorp
Classification: Likely pathogenic for Cardiomyopathy, familial restrictive, 3; Hypertrophic cardiomyopathy 2; Dilated cardiomyopathy 1D. Last evaluated: 2022-11-29. Review status: criteria provided, single submitter. Criteria: Invitae Variant Classification Sherloc (09022015). Collection method: clinical testing. Allele origin: germline.
Comment: This variant disrupts the p.Phe87 amino acid residue in TNNT2. Other variant(s) that disrupt this residue have been determined to be pathogenic (PMID: 20038417). This suggests that this residue is clinically significant, and that variants that disrupt this residue are likely to be disease-causing. In summary, the currently available evidence indicates that the variant is pathogenic, but additional data are needed to prove that conclusively. Therefore, this variant has been classified as Likely Pathogenic. Advanced modeling of protein sequence and biophysical properties (such as structural, functional, and spatial information, amino acid conservation, physicochemical variation, residue mobility, and thermodynamic stability) performed at Invitae indicates that this missense variant is expected to disrupt TNNT2 protein function. This variant is also known as c.290T>A (F97Y). This missense change has been observed in individual(s) with hypertrophic cardiomyopathy (PMID: 23283745). This variant is not present in population databases (gnomAD no frequency). This sequence change replaces phenylalanine, which is neutral and non-polar, with tyrosine, which is neutral and polar, at codon 87 of the TNNT2 protein (p.Phe87Tyr).

Literature cited by the submitters: PubMed 20038417; PubMed 23283745.